The following is an entry in ClinVar:

NM_172351.3(CD46):c.704dup (p.Asn235fs)

Gene: CD46 (CD46 molecule; plus strand). Cytogenetic location: 1q32.2.
Variant type: Duplication.
Coding change: c.704dup on transcript NM_172351.3 (MANE Select); coding-DNA position 704, one base duplicated (A; older notation c.704dupA).
Protein change: p.Asn235fs; shifts the reading frame from asparagine 235.
Molecular consequence: frameshift variant.
Genome position (GRCh38, 1-based): chr1:207,767,043, A duplicated; the last of 4 consecutive A bases (chr1:207,767,040-207,767,043); duplicating any one gives the same sequence. VCF-style (leftmost placement, unchanged base first): chr1-207767039-G-GA. GRCh37 (hg19) VCF-style: chr1-207940384-G-GA.
Other names: c.704dup, p.Asn235fs (NM_002389.4, NM_153826.4, NM_172350.3 and 8 more transcripts); short protein forms N235fs.
Identifiers: ClinVar variation 4976865 (VCV004976865.1).

ClinVar aggregate classification (germline): Pathogenic (1 of 4 stars; one submission).

Conditions:
Atypical hemolytic-uremic syndrome. Identifiers: Orphanet 2134, MedGen C2931788, MONDO:0016244.

Submission:

Genomenon, Inc
Classification: Pathogenic for Atypical hemolytic-uremic syndrome. Last evaluated: 2026-09-17. Review status: criteria provided, single submitter. Criteria: Genomenon Sequence Variant Interpretation Standards - Updated. Collection method: curation. Allele origin: germline. Affected: yes.
Comment: CD46 p.Asn235LysfsTer21 (c.704dup) is a frameshift variant that is predicted to introduce a premature termination codon and result in a truncated or absent protein product. This variant has been observed in at least one proband affected with atypical hemolytic-uremic syndrome (PMID:39649316). It is absent or not present at a significant frequency in gnomAD. In conclusion, we classify CD46 p.Asn235LysfsTer21 (c.704dup) as a pathogenic variant.

Literature cited by the submitters: PubMed 39649316.